The following is an entry in ClinVar:

ClinVar aggregate classification (germline): Uncertain significance (1 of 4 stars; one submission).

Conditions:
Genitopatellar syndrome (GTPTS). Also called: ABSENT PATELLAE, SCROTAL HYPOPLASIA, RENAL ANOMALIES, FACIAL DYSMORPHISM, AND MENTAL RETARDATION; Genitopatellar syndrome (GPS). Identifiers: Orphanet 85201, MedGen C1853566, MONDO:0011640, OMIM 606170.

gnomAD v4.1: 2 of 1,614,200 alleles (0.00012%); highest among the groups gnomAD compares: Non-Finnish European, 0.00017%; no homozygotes.

Submission:

Labcorp Genetics (formerly Invitae), Labcorp
Classification: Uncertain significance for Genitopatellar syndrome. Last evaluated: 2025-10-02. Review status: criteria provided, single submitter. Criteria: Invitae Variant Classification Sherloc (09022015). Collection method: clinical testing. Allele origin: germline.
Comment: This sequence change replaces threonine, which is neutral and polar, with isoleucine, which is neutral and non-polar, at codon 443 of the KAT6B protein (p.Thr443Ile). This variant is present in population databases (no rsID available, gnomAD 0.0009%). This variant has not been reported in the literature in individuals affected with KAT6B-related conditions. ClinVar contains an entry for this variant (Variation ID: 3670151). An algorithm developed to predict the effect of missense changes on protein structure and function (PolyPhen-2) suggests that this variant is likely to be tolerated. In summary, the available evidence is currently insufficient to determine the role of this variant in disease. Therefore, it has been classified as a Variant of Uncertain Significance.

NM_012330.4(KAT6B):c.1328C>T (p.Thr443Ile)

Gene: KAT6B (lysine acetyltransferase 6B; plus strand). Cytogenetic location: 10q22.2.
Variant type: single nucleotide variant.
Coding change: c.1328C>T on transcript NM_012330.4 (MANE Select); coding-DNA position 1328, C replaced by T.
Protein change: p.Thr443Ile; replaces threonine 443 with isoleucine.
Molecular consequence: missense variant. On other transcripts: intron variant (11).
Genome position (GRCh38, 1-based): chr10:74,975,665, C>T. VCF-style: chr10-74975665-C-T. GRCh37 (hg19) VCF-style: chr10-76735423-C-T.
Other names: c.1328C>T, p.Thr443Ile (NM_001256468.2, NM_001370136.1, NM_001370137.1 and 1 more transcripts); c.1117+211C>T (NM_001370139.1, NM_001370140.1, NM_001370141.1 and 3 more transcripts); c.846+5890C>T (NM_001370133.1); c.193-3559C>T (NM_001370134.1); c.929-1651C>T (NM_001370143.1, NM_001370144.1); c.193-13354C>T (NM_001370135.1); short protein forms T443I.
Identifiers: ClinVar variation 3670151 (VCV003670151.2).